The following is an entry in ClinVar:

ClinVar aggregate classification (germline): Uncertain significance (1 of 4 stars; one submission).

Conditions:
Cerebral cavernous malformation 3. Also called: Familial Cerebral Cavernous Malformation 3. Identifiers: Orphanet 221061, MedGen C1864040, MONDO:0011305, OMIM 603285.

Submission:

Labcorp Genetics (formerly Invitae), Labcorp
Classification: Uncertain significance for Cerebral cavernous malformation 3. Last evaluated: 2018-01-20. Review status: criteria provided, single submitter. Criteria: Invitae Variant Classification Sherloc (09022015). Collection method: clinical testing. Allele origin: germline.
Comment: Nucleotide substitutions within the consensus splice site are a relatively common cause of aberrant splicing (PMID: 17576681, 9536098). Algorithms developed to predict the effect of sequence changes on RNA splicing suggest that this variant may create or strengthen a splice site, but this prediction has not been confirmed by published transcriptional studies. This variant is not present in population databases (ExAC no frequency). This variant has not been reported in the literature in individuals with PDCD10-related disease. In summary, the available evidence is currently insufficient to determine the role of this variant in disease. Therefore, it has been classified as a Variant of Uncertain Significance. This sequence change falls in intron 6 of the PDCD10 gene. It does not directly change the encoded amino acid sequence of the PDCD10 protein, but it affects a nucleotide within the consensus splice site of the intron.

Literature cited by the submitters: PubMed 17576681; PubMed 9536098.

NM_007217.4(PDCD10):c.474+4C>A

Gene: PDCD10 (programmed cell death 10; minus strand). Cytogenetic location: 3q26.1.
Variant type: single nucleotide variant.
Coding change: c.474+4C>A on transcript NM_007217.4 (MANE Select); 4 bases into the intron after coding-DNA position 474, C replaced by A.
Molecular consequence: intron variant.
Genome position (GRCh38, 1-based): chr3:167,687,611, G>T on the plus strand (C>A on the coding strand, the complement: PDCD10 is on the minus strand). VCF-style: chr3-167687611-G-T. GRCh37 (hg19) VCF-style: chr3-167405399-G-T.
Other names: c.474+4C>A (NM_145860.2, NM_145859.2).
Identifiers: ClinVar variation 580503 (VCV000580503.8), dbSNP rs1390197622, ClinGen allele CA891842642.
Genomic context (GRCh38, chr3:167,687,611, plus strand): 5'-ATAAAACAACTAGGCATAAACCAACATCTAGGGTGTCAACTAGCAAGGCTTCTACTAAAC[G>T]TACCCTGCGGTTCTGGTATTGATATTTCTTGAAGACATTATTCACTGTATCAAGAAGTTC-3'